The following is an entry in ClinVar:

NM_002778.4(PSAP):c.613_615dup (p.Val205dup)

Gene: PSAP (prosaposin; minus strand). Cytogenetic location: 10q22.1.
Variant type: Duplication.
Coding change: c.613_615dup on transcript NM_002778.4 (MANE Select); coding-DNA positions 613 to 615, 3 bases duplicated (GTG; older notation c.613_615dupGTG).
Protein change: p.Val205dup; duplicates valine 205.
Molecular consequence: inframe insertion.
Genome position (GRCh38, 1-based): chr10:71,828,119-71,828,121, CAC duplicated on the plus strand (GTG on the coding strand, the reverse complement: PSAP is on the minus strand); duplicating any 3 consecutive bases within chr10:71,828,119-71,828,123 gives the same sequence; the c. name uses the placement nearest the transcript's 3' end. VCF-style (leftmost placement, unchanged base first): chr10-71828118-T-TCAC. GRCh37 (hg19) VCF-style: chr10-73587875-T-TCAC.
Other names: c.613_615dup, p.Val205dup (NM_001042465.3, NM_001042466.3).
Identifiers: ClinVar variation 813908 (VCV000813908.1), dbSNP rs1589451004, ClinGen allele CA658820756.
Genomic context (GRCh38, chr10:71,828,118, plus strand): 5'-CATGTTCCACCAAGGCCTGGACAAAGGTGGAGTTGGTCCGTACAGCAGTCTGGATGTCAG[T>TCAC]CACCATCTGAATGCAGTCCTGGCAAACGTCCCCATTATCCTACAGAAGAGGCAGTTAGGT-3'

ClinVar aggregate classification (germline): Uncertain significance (1 of 4 stars; one submission).

Conditions:
Sphingolipid activator protein 1 deficiency. Also called: METACHROMATIC LEUKODYSTROPHY DUE TO CEREBROSIDE SULFATASE ACTIVATOR DEFICIENCY; Metachromatic leukodystrophy due to saposin B deficiency; Saposin B Deficiency. Identifiers: Orphanet 512, MedGen C0268262, MONDO:0009590, OMIM 249900.

Submission:

Broad Center for Mendelian Genomics, Broad Institute of MIT and Harvard
Classification: Uncertain significance for Sphingolipid activator protein 1 deficiency. Last evaluated: 2018-12-03. Review status: criteria provided, single submitter. Criteria: ACMG Guidelines, 2015. Collection method: research. Allele origin: germline. Inheritance: Autosomal recessive inheritance. Affected: yes.
Comment: The p.Val205dup variant in PSAP has not been previously reported in individuals with metachromatic leukodystrophy due to saposin B deficiencyand was absent from large population studies. This variant is an insertion of 1 amino acid at position 205 and is not predicted to alter the protein reading-frame. It is unclear if this deletion will impact the protein. However, this variant is located in the region of the gene expected to code for the saposin B protein, which includes Exon 6, Exon 7, and part of Exon 8. Ten variants (including 6 loss of function and 4 missense) that affect this region have been reported in association with metachromic leukodystrophy in 26 individuals from 18 families in the literature (PMID: 26462614). In summary, while there is some suspicion for a pathogenic role, the clinical significance of this variant is uncertain. ACMG/AMP Criteria applied: PM2, PM4, PM1_Supporting (Richards 2015).

Literature cited by the submitters: PubMed 26462614.